The following is an entry in ClinVar:

ClinVar aggregate classification (germline): Uncertain significance (1 of 4 stars; one submission).

Conditions:
Inborn genetic diseases. Identifiers: MedGen C0950123, MeSH D030342.

Submission:

Ambry Genetics
Classification: Uncertain significance for Inborn genetic diseases. Last evaluated: 2025-05-07. Review status: criteria provided, single submitter. Criteria: Ambry Variant Classification Scheme 2023. Collection method: clinical testing. Allele origin: germline.
Comment: The p.T750K variant (also known as c.2249C>A), located in coding exon 21 of the ANKRD26 gene, results from a C to A substitution at nucleotide position 2249. The threonine at codon 750 is replaced by lysine, an amino acid with similar properties. This amino acid position is conserved. In addition, this alteration is predicted to be tolerated by in silico analysis. Based on the available evidence, the clinical significance of this variant remains unclear.

NM_014915.3(ANKRD26):c.2249C>A (p.Thr750Lys)

Gene: ANKRD26 (ankyrin repeat domain containing 26; minus strand). Cytogenetic location: 10p12.1.
Variant type: single nucleotide variant.
Coding change: c.2249C>A on transcript NM_014915.3 (MANE Select); coding-DNA position 2249, C replaced by A.
Protein change: p.Thr750Lys; replaces threonine 750 with lysine.
Molecular consequence: missense variant.
Genome position (GRCh38, 1-based): chr10:27,040,091, G>T on the plus strand (C>A on the coding strand, the complement: ANKRD26 is on the minus strand). VCF-style: chr10-27040091-G-T. GRCh37 (hg19) VCF-style: chr10-27329020-G-T.
Other names: c.2246C>A, p.Thr749Lys (NM_001256053.2); short protein forms T750K, T749K.
Identifiers: ClinVar variation 3914277 (VCV003914277.1).